The following is an entry in ClinVar:

ClinVar aggregate classification (germline): Uncertain significance (1 of 4 stars; one submission).

Conditions:
Ullrich congenital muscular dystrophy 2 (UCMD2). Identifiers: Orphanet 75840, MedGen C4225314, MONDO:0014654, OMIM 616470.
Bethlem myopathy 2 (BTHLM2). Identifiers: Orphanet 536516, Orphanet 610, MedGen C4225313, MONDO:0034022, OMIM 616471.

Submission:

Labcorp Genetics (formerly Invitae), Labcorp
Classification: Uncertain significance for Bethlem myopathy 2; Ullrich congenital muscular dystrophy 2. Last evaluated: 2022-09-30. Review status: criteria provided, single submitter. Criteria: Invitae Variant Classification Sherloc (09022015). Collection method: clinical testing. Allele origin: germline.
Comment: In summary, the available evidence is currently insufficient to determine the role of this variant in disease. Therefore, it has been classified as a Variant of Uncertain Significance. Advanced modeling of protein sequence and biophysical properties (such as structural, functional, and spatial information, amino acid conservation, physicochemical variation, residue mobility, and thermodynamic stability) performed at Invitae indicates that this missense variant is not expected to disrupt COL12A1 protein function. This variant has not been reported in the literature in individuals affected with COL12A1-related conditions. This variant is not present in population databases (gnomAD no frequency). This sequence change replaces valine, which is neutral and non-polar, with glutamic acid, which is acidic and polar, at codon 1967 of the COL12A1 protein (p.Val1967Glu).

NM_004370.6(COL12A1):c.5900T>A (p.Val1967Glu)

Gene: COL12A1 (collagen type XII alpha 1 chain; minus strand). Cytogenetic location: 6q13.
Variant type: single nucleotide variant.
Coding change: c.5900T>A on transcript NM_004370.6 (MANE Select); coding-DNA position 5900, T replaced by A.
Protein change: p.Val1967Glu; replaces valine 1967 with glutamic acid.
Molecular consequence: missense variant.
Genome position (GRCh38, 1-based): chr6:75,131,977, A>T on the plus strand (T>A on the coding strand, the complement: COL12A1 is on the minus strand). VCF-style: chr6-75131977-A-T. GRCh37 (hg19) VCF-style: chr6-75841693-A-T.
Other names: c.2408T>A, p.Val803Glu (NM_080645.3); short protein forms V1967E, V803E.
Identifiers: ClinVar variation 1719119 (VCV001719119.6), dbSNP rs2533276585, ClinGen allele CA364732788.